The following is an entry in ClinVar:

ClinVar aggregate classification (germline): Uncertain significance (1 of 4 stars; one submission).

Conditions:
Charcot-Marie-Tooth disease axonal type 2Z. Also called: CHARCOT-MARIE-TOOTH DISEASE, AXONAL, AUTOSOMAL DOMINANT, TYPE 2Z; CHARCOT-MARIE-TOOTH NEUROPATHY, TYPE 2Z. Identifiers: Orphanet 466768, MedGen C5569025, MONDO:0014736, OMIM 616688.

gnomAD v4.1: 9 of 1,614,114 alleles (0.00056%); highest among the groups gnomAD compares: South Asian, 0.0011%; no homozygotes.

Submission:

Labcorp Genetics (formerly Invitae), Labcorp
Classification: Uncertain significance for Charcot-Marie-Tooth disease axonal type 2Z. Last evaluated: 2023-10-11. Review status: criteria provided, single submitter. Criteria: Invitae Variant Classification Sherloc (09022015). Collection method: clinical testing. Allele origin: germline.
Comment: This sequence change replaces arginine, which is basic and polar, with cysteine, which is neutral and slightly polar, at codon 811 of the MORC2 protein (p.Arg811Cys). This variant is not present in population databases (gnomAD no frequency). This variant has not been reported in the literature in individuals affected with MORC2-related conditions. Advanced modeling of protein sequence and biophysical properties (such as structural, functional, and spatial information, amino acid conservation, physicochemical variation, residue mobility, and thermodynamic stability) has been performed at Invitae for this missense variant, however the output from this modeling did not meet the statistical confidence thresholds required to predict the impact of this variant on MORC2 protein function. In summary, the available evidence is currently insufficient to determine the role of this variant in disease. Therefore, it has been classified as a Variant of Uncertain Significance.

NM_001303256.3(MORC2):c.2431C>T (p.Arg811Cys)

Gene: MORC2 (MORC family CW-type zinc finger 2; minus strand). Cytogenetic location: 22q12.2.
Variant type: single nucleotide variant.
Coding change: c.2431C>T on transcript NM_001303256.3 (MANE Select); coding-DNA position 2431, C replaced by T.
Protein change: p.Arg811Cys; replaces arginine 811 with cysteine.
Molecular consequence: missense variant.
Genome position (GRCh38, 1-based): chr22:30,932,980, G>A on the plus strand (C>T on the coding strand, the complement: MORC2 is on the minus strand). VCF-style: chr22-30932980-G-A. GRCh37 (hg19) VCF-style: chr22-31328967-G-A.
Other names: c.2431C>T, p.Arg811Cys (NM_001303257.2); c.2245C>T, p.Arg749Cys (NM_014941.3); short protein forms R749C, R811C.
Identifiers: ClinVar variation 2888469 (VCV002888469.3), dbSNP rs767566826, ClinGen allele CA411232375.